The following is an entry in ClinVar:

NM_004380.3(CREBBP):c.5839C>T (p.Pro1947Ser)

Gene: CREBBP (CREB binding lysine acetyltransferase; minus strand). Cytogenetic location: 16p13.3.
Variant type: single nucleotide variant.
Coding change: c.5839C>T on transcript NM_004380.3 (MANE Select); coding-DNA position 5839, C replaced by T.
Protein change: p.Pro1947Ser; replaces proline 1947 with serine.
Molecular consequence: missense variant.
Genome position (GRCh38, 1-based): chr16:3,729,208, G>A on the plus strand (C>T on the coding strand, the complement: CREBBP is on the minus strand). VCF-style: chr16-3729208-G-A. GRCh37 (hg19) VCF-style: chr16-3779209-G-A.
Other names: c.5725C>T, p.Pro1909Ser (NM_001079846.1); c.5839C>T (NM_004380.2); short protein forms P1947S, P1909S.
Identifiers: ClinVar variation 2710524 (VCV002710524.6), dbSNP rs577591403, ClinGen allele CA7869239.

ClinVar aggregate classification (germline): Benign/Likely benign. Review status: criteria provided, multiple submitters, no conflicts (2 of 4 stars). 4 submissions from 4 submitters: Benign (1); Likely benign (3). Last evaluated 2025-11-24.

Conditions:
Inborn genetic diseases. Identifiers: MedGen C0950123, MeSH D030342.
CREBBP-related disorder. Also called: CREBBP-related disorders; CREBBP-related condition.
Rubinstein-Taybi syndrome (RSTS). Identifiers: Orphanet 783, MedGen C0035934, MONDO:0019188.

Allele frequency attached by ClinVar (database versions not stated): TOPMed 0.00001; 1000 Genomes Project 0.00060; 1000 Genomes Project 30x 0.00062; ExAC 0.00072.

Submissions (4):

PreventionGenetics, part of Exact Sciences
Classification: Likely benign for CREBBP-related condition. Last evaluated: 2025-11-24. Review status: criteria provided, single submitter. Criteria: ACMG Guidelines, 2015. Collection method: clinical testing. Allele origin: germline.
Comment: This variant is classified as likely benign based on ACMG/AMP sequence variant interpretation guidelines (Richards et al. 2015 PMID: 25741868, with internal and published modifications).

Labcorp Genetics (formerly Invitae), Labcorp
Classification: Benign for Rubinstein-Taybi syndrome. Last evaluated: 2025-10-19. Review status: criteria provided, single submitter. Criteria: Invitae Variant Classification Sherloc (09022015). Collection method: clinical testing. Allele origin: germline.

Ambry Genetics
Classification: Likely benign for Inborn genetic diseases. Last evaluated: 2025-08-23. Review status: criteria provided, single submitter. Criteria: Ambry Variant Classification Scheme 2023. Collection method: clinical testing. Allele origin: germline.

Blueprint Genetics
Classification: Likely benign. Last evaluated: 2024-07-15. Review status: criteria provided, single submitter. Criteria: ACMG Guidelines, 2015. Collection method: clinical testing. Allele origin: germline.